The following is an entry in ClinVar:

NM_001257180.2(SLC20A2):c.1825C>T (p.Arg609Cys)

Gene: SLC20A2 (solute carrier family 20 member 2; minus strand). Cytogenetic location: 8p11.21.
Variant type: single nucleotide variant.
Coding change: c.1825C>T on transcript NM_001257180.2 (MANE Select); coding-DNA position 1825, C replaced by T.
Protein change: p.Arg609Cys; replaces arginine 609 with cysteine.
Molecular consequence: missense variant.
Genome position (GRCh38, 1-based): chr8:42,417,937, G>A on the plus strand (C>T on the coding strand, the complement: SLC20A2 is on the minus strand). VCF-style: chr8-42417937-G-A. GRCh37 (hg19) VCF-style: chr8-42275455-G-A.
Other names: c.1825C>T, p.Arg609Cys (NM_001257181.2, NM_006749.5); short protein forms R609C.
Identifiers: ClinVar variation 1267011 (VCV001267011.4), dbSNP rs200340427, ClinGen allele CA4733190.

ClinVar aggregate classification (germline): Benign/Likely benign. Review status: criteria provided, multiple submitters, no conflicts (2 of 4 stars). 3 submissions from 3 submitters: Benign (1); Likely benign (2). Last evaluated 2026-01-19.

Allele frequency attached by ClinVar (database versions not stated): gnomAD 0.00009; gnomAD exomes 0.00009 and 0.00011; ExAC 0.00013; ESP Exome Variant Server 0.00023.
gnomAD v4.1: 143 of 1,612,728 alleles (0.0089%); highest among the groups gnomAD compares: Non-Finnish European, 0.0085%; no homozygotes.

Submissions (3):

Labcorp Genetics (formerly Invitae), Labcorp
Classification: Likely benign. Last evaluated: 2026-01-19. Review status: criteria provided, single submitter. Criteria: Invitae Variant Classification Sherloc (09022015). Collection method: clinical testing. Allele origin: germline.

Blueprint Genetics
Classification: Likely benign. Last evaluated: 2024-09-18. Review status: criteria provided, single submitter. Criteria: ACMG Guidelines, 2015. Collection method: clinical testing. Allele origin: germline.

GeneDx
Classification: Benign. Last evaluated: 2021-01-22. Review status: criteria provided, single submitter. Criteria: GeneDx Variant Classification Process June 2021. Collection method: clinical testing. Allele origin: germline. Affected: yes.
Comment: Observed in at least one heterozygous individual in large population cohorts (Lek et al., 2016)